The following is an entry in ClinVar:

NM_007194.4(CHEK2):c.446A>G (p.Glu149Gly)

Gene: CHEK2 (checkpoint kinase 2; minus strand). Cytogenetic location: 22q12.1.
Variant type: single nucleotide variant.
Coding change: c.446A>G on transcript NM_007194.4 (MANE Select); coding-DNA position 446, A replaced by G.
Protein change: p.Glu149Gly; replaces glutamic acid 149 with glycine.
Molecular consequence: missense variant. On other transcripts: 5 prime UTR variant (2), intron variant (1).
Genome position (GRCh38, 1-based): chr22:28,725,123, T>C on the plus strand (A>G on the coding strand, the complement: CHEK2 is on the minus strand). VCF-style: chr22-28725123-T-C. GRCh37 (hg19) VCF-style: chr22-29121111-T-C.
Other names: c.575A>G, p.Glu192Gly (NM_001005735.3, NM_001438294.1); c.-332A>G (NM_001257387.3); c.-218A>G (NM_001437942.1); c.539A>G, p.Glu180Gly (NM_001438293.1, NM_001438295.1); c.446A>G, p.Glu149Gly (NM_145862.3); c.444+120A>G (NM_001349956.3); short protein forms E149G, E192G, E180G.
Identifiers: ClinVar variation 187519 (VCV000187519.18), dbSNP rs786203794, ClinGen allele CA197860.

ClinVar aggregate classification (germline): Uncertain significance. Review status: criteria provided, multiple submitters, no conflicts (2 of 4 stars). 3 submissions from 3 submitters: Uncertain significance (3). Last evaluated 2025-04-10.

Conditions:
Hereditary cancer-predisposing syndrome. Also called: Neoplastic Syndromes, Hereditary; Tumor predisposition; Hereditary Cancer Syndrome; Hereditary neoplastic syndrome. Identifiers: Orphanet 140162, MedGen C0027672, MeSH D009386, MONDO:0015356.
Familial cancer of breast. Also called: BREAST CANCER, FAMILIAL; Hereditary breast cancer; hereditary breast carcinoma. Identifiers: Orphanet 227535, MedGen C0346153, MONDO:0016419, OMIM 114480. Disease mechanism: loss of function.

Allele frequency attached by ClinVar (database versions not stated): gnomAD exomes below 0.00001; TOPMed below 0.00001; gnomAD 0.00001.
gnomAD v4.1: 2 of 1,614,012 alleles (0.00012%); highest among the groups gnomAD compares: Non-Finnish European, 0.00017%; no homozygotes.

Submissions (3):

Ambry Genetics
Classification: Uncertain significance for Hereditary cancer-predisposing syndrome. Last evaluated: 2025-04-10. Review status: criteria provided, single submitter. Criteria: Ambry Variant Classification Scheme 2023. Collection method: clinical testing. Allele origin: germline.
Comment: The p.E149G variant (also known as c.446A>G), located in coding exon 3 of the CHEK2 gene, results from an A to G substitution at nucleotide position 446. The glutamic acid at codon 149 is replaced by glycine, an amino acid with similar properties. This amino acid position is highly conserved in available vertebrate species. In addition, this alteration is predicted to be deleterious by in silico analysis. Since supporting evidence is limited at this time, the clinical significance of this alteration remains unclear.

Labcorp Genetics (formerly Invitae), Labcorp
Classification: Uncertain significance for Familial cancer of breast. Last evaluated: 2023-04-19. Review status: criteria provided, single submitter. Criteria: Invitae Variant Classification Sherloc (09022015). Collection method: clinical testing. Allele origin: germline.
Comment: This variant has not been reported in the literature in individuals affected with CHEK2-related conditions. This variant is not present in population databases (gnomAD no frequency). This sequence change replaces glutamic acid, which is acidic and polar, with glycine, which is neutral and non-polar, at codon 149 of the CHEK2 protein (p.Glu149Gly). In summary, the available evidence is currently insufficient to determine the role of this variant in disease. Therefore, it has been classified as a Variant of Uncertain Significance. An algorithm developed to predict the effect of missense changes on protein structure and function (PolyPhen-2) suggests that this variant is likely to be disruptive. ClinVar contains an entry for this variant (Variation ID: 187519).

GeneDx
Classification: Uncertain significance. Last evaluated: 2019-12-11. Review status: criteria provided, single submitter. Criteria: GeneDx Variant Classification Process June 2021. Collection method: clinical testing. Allele origin: germline. Affected: yes.
Comment: In silico analysis, which includes protein predictors and evolutionary conservation, supports a deleterious effect; Not observed in large population cohorts (Lek 2016); Has not been previously published as pathogenic or benign to our knowledge; Also known as c.575A>G, p.E192G